The following is an entry in ClinVar:

NM_001111.5(ADAR):c.1660A>G (p.Lys554Glu)

Gene: ADAR (adenosine deaminase RNA specific; minus strand). Cytogenetic location: 1q21.3.
Variant type: single nucleotide variant.
Coding change: c.1660A>G on transcript NM_001111.5 (MANE Select); coding-DNA position 1660, A replaced by G.
Protein change: p.Lys554Glu; replaces lysine 554 with glutamic acid.
Molecular consequence: missense variant.
Genome position (GRCh38, 1-based): chr1:154,598,527, T>C on the plus strand (A>G on the coding strand, the complement: ADAR is on the minus strand). VCF-style: chr1-154598527-T-C. GRCh37 (hg19) VCF-style: chr1-154571003-T-C.
Other names: c.775A>G, p.Lys259Glu (NM_001025107.3, NM_001193495.2, NM_001365046.1 and 3 more transcripts); c.1687A>G, p.Lys563Glu (NM_001365045.1); c.1660A>G, p.Lys554Glu (NM_015840.4, NM_015841.4); short protein forms K563E, K259E, K554E.
Identifiers: ClinVar variation 2095223 (VCV002095223.4), dbSNP rs2526613834, ClinGen allele CA342639623.
Genomic context (GRCh38, chr1:154,598,527, plus strand): 5'-TGGCTTCCTCTAGCAGAATTGTCATGGCTTTCATAGCTGCATCCTGCTTGGCCACTTTCT[T>C]GCTTCCAGCTTCAGCTGGGGGAAACTCTCGGCCATTGATGACAACCTGGAATTTAAATCT-3'
Protein context (NP_001102.3, residues 544-564): REFPPAEAGS[Lys554Glu]KVAKQDAAMK

ClinVar aggregate classification (germline): Uncertain significance (1 of 4 stars; one submission).

Conditions:
Symmetrical dyschromatosis of extremities (DSH). Also called: RETICULATE ACROPIGMENTATION OF DOHI; SYMMETRIC DYSCHROMATOSIS OF THE EXTREMITIES; Dyschromatosis symmetrica hereditaria; DYSCHROMATOSIS SYMMETRICA HEREDITARIA 1. Identifiers: Orphanet 41, MedGen C0406775, MONDO:0007483, OMIM 127400.
Aicardi-Goutieres syndrome 6 (AGS6). Identifiers: Orphanet 51, MedGen C3539013, MONDO:0014007, OMIM 615010.

Allele frequency attached by ClinVar (database versions not stated): gnomAD exomes below 0.00001.
gnomAD v4.1: 1 of 1,614,236 alleles (0.000062%); highest among the groups gnomAD compares: Non-Finnish European, 0.000085%; no homozygotes.

Submission:

Labcorp Genetics (formerly Invitae), Labcorp
Classification: Uncertain significance for Aicardi-Goutieres syndrome 6; Symmetrical dyschromatosis of extremities. Last evaluated: 2022-07-01. Review status: criteria provided, single submitter. Criteria: Invitae Variant Classification Sherloc (09022015). Collection method: clinical testing. Allele origin: germline.
Comment: In summary, the available evidence is currently insufficient to determine the role of this variant in disease. Therefore, it has been classified as a Variant of Uncertain Significance. Algorithms developed to predict the effect of missense changes on protein structure and function are either unavailable or do not agree on the potential impact of this missense change (SIFT: "Deleterious"; PolyPhen-2: "Probably Damaging"; Align-GVGD: "Class C15"). This variant has not been reported in the literature in individuals affected with ADAR-related conditions. This variant is not present in population databases (gnomAD no frequency). This sequence change replaces lysine, which is basic and polar, with glutamic acid, which is acidic and polar, at codon 554 of the ADAR protein (p.Lys554Glu).